The following is an entry in ClinVar:

NM_001079559.3(HNRNPUL2):c.995T>G (p.Phe332Cys)

Genes: HNRNPUL2 (heterogeneous nuclear ribonucleoprotein U like 2; minus strand), HNRNPUL2-BSCL2 (HNRNPUL2-BSCL2 readthrough (NMD candidate); minus strand). Cytogenetic location: 11q12.3.
Variant type: single nucleotide variant.
Coding change: c.995T>G on transcript NM_001079559.3 (MANE Select); coding-DNA position 995, T replaced by G.
Protein change: p.Phe332Cys; replaces phenylalanine 332 with cysteine.
Molecular consequence: missense variant. On other transcripts: non-coding transcript variant (1).
Genome position (GRCh38, 1-based): chr11:62,722,701, A>C on the plus strand (T>G on the coding strand, the complement: HNRNPUL2 is on the minus strand). VCF-style: chr11-62722701-A-C. GRCh37 (hg19) VCF-style: chr11-62490173-A-C.
Other names: short protein forms F332C.
Identifiers: ClinVar variation 2633278 (VCV002633278.1), dbSNP rs2539209366, ClinGen allele CA380986267.

ClinVar aggregate classification (germline): Uncertain significance (1 of 4 stars; one submission).

Conditions:
HNRNPUL2-related disorder. Also called: HNRNPUL2-related condition.

Submission:

PreventionGenetics, part of Exact Sciences
Classification: Uncertain significance for HNRNPUL2-related condition. Last evaluated: 2023-06-07. Review status: criteria provided, single submitter. Criteria: ACMG Guidelines, 2015. Collection method: clinical testing. Allele origin: germline.
Comment: The HNRNPUL2 c.995T>G variant is predicted to result in the amino acid substitution p.Phe332Cys. To our knowledge, this variant has not been reported in the literature or in a large population database, indicating this variant is rare. At this time, the clinical significance of this variant is uncertain due to the absence of conclusive functional and genetic evidence.